The following is an entry in ClinVar:

NM_006231.4(POLE):c.670T>A (p.Tyr224Asn)

Gene: POLE (DNA polymerase epsilon, catalytic subunit; minus strand). Cytogenetic location: 12q24.33.
Variant type: single nucleotide variant.
Coding change: c.670T>A on transcript NM_006231.4 (MANE Select); coding-DNA position 670, T replaced by A.
Protein change: p.Tyr224Asn; replaces tyrosine 224 with asparagine.
Molecular consequence: missense variant.
Genome position (GRCh38, 1-based): chr12:132,677,628, A>T on the plus strand (T>A on the coding strand, the complement: POLE is on the minus strand). VCF-style: chr12-132677628-A-T. GRCh37 (hg19) VCF-style: chr12-133254214-A-T.
Other names: short protein forms Y224N.
Identifiers: ClinVar variation 4141097 (VCV004141097.1).
Genomic context (GRCh38, chr12:132,677,628, plus strand): 5'-CCCCACTCACCACGTGGATCTTCAGGTCAATGGAGAGGCGGATGTGGTAGGGAACATCGT[A>T]CTCGCGCATGTCCACAATGTTGTCCAACTGGTCAGCTATCTTCTTAGAGGTTTCCTCTTC-3'
Protein context (NP_006222.2, residues 214-234): QLDNIVDMRE[Tyr224Asn]DVPYHIRLSI

ClinVar aggregate classification (germline): Uncertain significance (1 of 4 stars; one submission).

Conditions:
Hereditary cancer-predisposing syndrome. Also called: Hereditary neoplastic syndrome; Neoplastic Syndromes, Hereditary; Tumor predisposition; Hereditary Cancer Syndrome. Identifiers: Orphanet 140162, MedGen C0027672, MeSH D009386, MONDO:0015356.

gnomAD v4.1: 4 of 1,614,134 alleles (0.00025%); highest among the groups gnomAD compares: Non-Finnish European, 0.00034%; no homozygotes.

Submission:

Ambry Genetics
Classification: Uncertain significance for Hereditary cancer-predisposing syndrome. Last evaluated: 2025-09-12. Review status: criteria provided, single submitter. Criteria: Ambry Variant Classification Scheme 2023. Collection method: clinical testing. Allele origin: germline.
Comment: The p.Y224N variant (also known as c.670T>A), located in coding exon 7 of the POLE gene, results from a T to A substitution at nucleotide position 670. The tyrosine at codon 224 is replaced by asparagine, an amino acid with dissimilar properties. This amino acid position is conserved. In addition, the in silico prediction for this alteration is inconclusive. Based on the available evidence, the clinical significance of this variant remains unclear.